The following is an entry in ClinVar:

ClinVar aggregate classification (germline): Uncertain significance (1 of 4 stars; one submission).

Submission:

Ambry Genetics
Classification: Uncertain significance. Last evaluated: 2024-08-12. Review status: criteria provided, single submitter. Criteria: Ambry Variant Classification Scheme 2023. Collection method: clinical testing. Allele origin: germline.
Comment: The p.N979S variant (also known as c.2936A>G), located in coding exon 23 of the BUB1 gene, results from an A to G substitution at nucleotide position 2936. The asparagine at codon 979 is replaced by serine, an amino acid with highly similar properties. This amino acid position is conserved. In addition, this alteration is predicted to be tolerated by in silico analysis. Based on the available evidence, the clinical significance of this variant remains unclear.

NM_004336.5(BUB1):c.2936A>G (p.Asn979Ser)

Gene: BUB1 (BUB1 mitotic checkpoint serine/threonine kinase; minus strand). Cytogenetic location: 2q13.
Variant type: single nucleotide variant.
Coding change: c.2936A>G on transcript NM_004336.5 (MANE Select); coding-DNA position 2936, A replaced by G.
Protein change: p.Asn979Ser; replaces asparagine 979 with serine.
Molecular consequence: missense variant.
Genome position (GRCh38, 1-based): chr2:110,641,053, T>C on the plus strand (A>G on the coding strand, the complement: BUB1 is on the minus strand). VCF-style: chr2-110641053-T-C. GRCh37 (hg19) VCF-style: chr2-111398630-T-C.
Other names: c.2876A>G, p.Asn959Ser (NM_001278616.2); c.2765A>G, p.Asn922Ser (NM_001278617.2); short protein forms N959S, N922S, N979S.
Identifiers: ClinVar variation 3483038 (VCV003483038.1).